The following is an entry in ClinVar:

NM_015061.6(KDM4C):c.579C>T (p.Asp193=)

Gene: KDM4C (lysine demethylase 4C; plus strand). Cytogenetic location: 9p24.1.
Variant type: single nucleotide variant.
Coding change: c.579C>T on transcript NM_015061.6 (MANE Select); coding-DNA position 579, C replaced by T.
Protein change: p.Asp193=; no amino-acid change (aspartic acid 193 retained).
Molecular consequence: synonymous variant. On other transcripts: 5 prime UTR variant (3), non-coding transcript variant (5).
Genome position (GRCh38, 1-based): chr9:6,849,650, C>T. VCF-style: chr9-6849650-C-T. GRCh37 (hg19) VCF-style: chr9-6849650-C-T.
Other names: c.579C>T, p.Asp193= (NM_001146695.4, NM_001304339.4, NM_001353997.3 and 1 more transcripts); c.645C>T, p.Asp215= (NM_001146696.2); c.36C>T, p.Asp12= (NM_001304340.4); c.-1657C>T (NM_001353999.3, NM_001354001.3); c.-870C>T (NM_001354000.3).
Identifiers: ClinVar variation 2659063 (VCV002659063.24), dbSNP rs1838470091, ClinGen allele CA463622555.
Genomic context (GRCh38, chr9:6,849,650, plus strand): 5'-AAATACCCCATATCTCTATTTTGGCATGTGGAAGACCACGTTTGCATGGCACACCGAAGA[C>T]ATGGACCTCTATAGCATTAATTATCTCCACTTTGGAGAGCCCAAGTCTTGGCAAGTTACT-3'
Protein context (NP_055876.2, residues 183-203): WKTTFAWHTE[Asp193=]MDLYSINYLH

ClinVar aggregate classification (germline): Likely benign (1 of 4 stars; one submission).

Allele frequency attached by ClinVar (database versions not stated): gnomAD exomes 0.00001.
gnomAD v4.1: 10 of 1,613,448 alleles (0.00062%); highest among the groups gnomAD compares: Middle Eastern, 0.017%; no homozygotes.

Submission:

CeGaT Center for Human Genetics Tuebingen
Classification: Likely benign. Last evaluated: 2022-07-01. Review status: criteria provided, single submitter. Criteria: CeGaT Center For Human Genetics Tuebingen Variant Classification Criteria Version 2. Collection method: clinical testing. Allele origin: germline. Affected: yes. Observed: 1 variant allele.
Comment: KDM4C: PM2:Supporting, BP4, BP7